The following is an entry in ClinVar:

NM_000548.5(TSC2):c.1509G>C (p.Gln503His)

Gene: TSC2 (TSC complex subunit 2; plus strand). Cytogenetic location: 16p13.3.
Variant type: single nucleotide variant.
Coding change: c.1509G>C on transcript NM_000548.5 (MANE Select); coding-DNA position 1509, G replaced by C.
Protein change: p.Gln503His; replaces glutamine 503 with histidine.
Molecular consequence: missense variant.
Genome position (GRCh38, 1-based): chr16:2,064,337, G>C. VCF-style: chr16-2064337-G-C. GRCh37 (hg19) VCF-style: chr16-2114338-G-C.
Other names: c.1509G>C, p.Gln503His (NM_001077183.3, NM_001114382.3, NM_001363528.2 and 6 more transcripts); c.1398G>C, p.Gln466His (NM_001318827.2, NM_001406670.1, NM_001406678.1); c.1362G>C, p.Gln454His (NM_001318829.2, NM_001406675.1, NM_001406676.1 and 1 more transcripts); c.909G>C, p.Gln303His (NM_001318831.2, NM_001406680.1, NM_001406682.1 and 6 more transcripts); c.1542G>C, p.Gln514His (NM_001318832.2); c.1599G>C, p.Gln533His (NM_001406667.1, NM_001406668.1); c.1497G>C, p.Gln499His (NM_001406671.1, NM_001406673.1); c.1452G>C, p.Gln484His (NM_001406677.1); and 3 more; short protein forms Q349H, Q503H, Q514H, Q533H, Q303H, Q454H, Q499H, Q55H.
Identifiers: ClinVar variation 1774140 (VCV001774140.7), dbSNP rs2151189853, ClinGen allele CA394326130.

ClinVar aggregate classification (germline): Uncertain significance. Review status: criteria provided, multiple submitters, no conflicts (2 of 4 stars). 2 submissions from 2 submitters: Uncertain significance (2). Last evaluated 2023-03-23.

Conditions:
Tuberous sclerosis 2 (TSC2). Identifiers: Orphanet 805, MedGen C1860707, MONDO:0013199, OMIM 613254.
Hereditary cancer-predisposing syndrome. Also called: Tumor predisposition; Neoplastic Syndromes, Hereditary; Hereditary Cancer Syndrome; Hereditary neoplastic syndrome. Identifiers: Orphanet 140162, MedGen C0027672, MeSH D009386, MONDO:0015356.

Submissions (2):

Labcorp Genetics (formerly Invitae), Labcorp
Classification: Uncertain significance for Tuberous sclerosis 2. Last evaluated: 2023-03-23. Review status: criteria provided, single submitter. Criteria: Invitae Variant Classification Sherloc (09022015). Collection method: clinical testing. Allele origin: germline.
Comment: In summary, the available evidence is currently insufficient to determine the role of this variant in disease. Therefore, it has been classified as a Variant of Uncertain Significance. This sequence change replaces glutamine, which is neutral and polar, with histidine, which is basic and polar, at codon 503 of the TSC2 protein (p.Gln503His). This variant is not present in population databases (gnomAD no frequency). This variant has not been reported in the literature in individuals affected with TSC2-related conditions. ClinVar contains an entry for this variant (Variation ID: 1774140). Advanced modeling of protein sequence and biophysical properties (such as structural, functional, and spatial information, amino acid conservation, physicochemical variation, residue mobility, and thermodynamic stability) performed at Invitae indicates that this missense variant is not expected to disrupt TSC2 protein function.

Ambry Genetics
Classification: Uncertain significance for Hereditary cancer-predisposing syndrome. Last evaluated: 2022-05-12. Review status: criteria provided, single submitter. Criteria: Ambry Variant Classification Scheme 2023. Collection method: clinical testing. Allele origin: germline.
Comment: The p.Q503H variant (also known as c.1509G>C), located in coding exon 14 of the TSC2 gene, results from a G to C substitution at nucleotide position 1509. The glutamine at codon 503 is replaced by histidine, an amino acid with highly similar properties. This amino acid position is conserved. In addition, the in silico prediction for this alteration is inconclusive. Since supporting evidence is limited at this time, the clinical significance of this alteration remains unclear.